The following is an entry in ClinVar:

NM_001458.5(FLNC):c.2550+3A>T

Gene: FLNC (filamin C; plus strand). Cytogenetic location: 7q32.1.
Variant type: single nucleotide variant.
Coding change: c.2550+3A>T on transcript NM_001458.5 (MANE Select); 3 bases into the intron after coding-DNA position 2550, A replaced by T.
Molecular consequence: intron variant.
Genome position (GRCh38, 1-based): chr7:128,842,957, A>T. VCF-style: chr7-128842957-A-T. GRCh37 (hg19) VCF-style: chr7-128483011-A-T.
Other names: c.2550+3A>T (NM_001127487.2).
Identifiers: ClinVar variation 2954110 (VCV002954110.3), dbSNP rs1426094149, ClinGen allele CA2740097560.

ClinVar aggregate classification (germline): Uncertain significance (1 of 4 stars; one submission).

Conditions:
Hypertrophic cardiomyopathy 26. Also called: Cardiomyopathy, familial hypertrophic, 26. Identifiers: Orphanet 75249, MedGen C4310749, MONDO:0014883, OMIM 617047.
Myofibrillar myopathy 5. Also called: Filaminopathy (type); FILAMINOPATHY, AUTOSOMAL DOMINANT. Identifiers: Orphanet 171445, MedGen C1836050, MONDO:0012289, OMIM 609524.
Distal myopathy with posterior leg and anterior hand involvement. Also called: WILLIAMS DISTAL MYOPATHY. Identifiers: Orphanet 63273, MedGen C3279722, MONDO:0013550, OMIM 614065.

Submission:

Labcorp Genetics (formerly Invitae), Labcorp
Classification: Uncertain significance for Distal myopathy with posterior leg and anterior hand involvement; Myofibrillar myopathy 5; Hypertrophic cardiomyopathy 26. Last evaluated: 2023-11-21. Review status: criteria provided, single submitter. Criteria: Invitae Variant Classification Sherloc (09022015). Collection method: clinical testing. Allele origin: germline.
Comment: This sequence change falls in intron 16 of the FLNC gene. It does not directly change the encoded amino acid sequence of the FLNC protein. It affects a nucleotide within the consensus splice site. This variant is not present in population databases (gnomAD no frequency). This variant has not been reported in the literature in individuals affected with FLNC-related conditions. Variants that disrupt the consensus splice site are a relatively common cause of aberrant splicing (PMID: 17576681, 9536098). Algorithms developed to predict the effect of sequence changes on RNA splicing suggest that this variant may disrupt the consensus splice site. In summary, the available evidence is currently insufficient to determine the role of this variant in disease. Therefore, it has been classified as a Variant of Uncertain Significance.

Literature cited by the submitters: PubMed 17576681; PubMed 9536098.